The following is an entry in ClinVar:

ClinVar aggregate classification (germline): Uncertain significance (1 of 4 stars; one submission).

gnomAD v4.1: 3 of 1,611,422 alleles (0.00019%); highest among the groups gnomAD compares: South Asian, 0.0011%; no homozygotes.

Submission:

Labcorp Genetics (formerly Invitae), Labcorp
Classification: Uncertain significance. Last evaluated: 2024-04-25. Review status: criteria provided, single submitter. Criteria: Invitae Variant Classification Sherloc (09022015). Collection method: clinical testing. Allele origin: germline.
Comment: This sequence change replaces glutamic acid, which is acidic and polar, with lysine, which is basic and polar, at codon 229 of the SOX10 protein (p.Glu229Lys). This variant is present in population databases (no rsID available, gnomAD 0.003%). This variant has not been reported in the literature in individuals affected with SOX10-related conditions. Advanced modeling of protein sequence and biophysical properties (such as structural, functional, and spatial information, amino acid conservation, physicochemical variation, residue mobility, and thermodynamic stability) performed at Invitae indicates that this missense variant is not expected to disrupt SOX10 protein function with a negative predictive value of 80%. In summary, the available evidence is currently insufficient to determine the role of this variant in disease. Therefore, it has been classified as a Variant of Uncertain Significance.

NM_006941.4(SOX10):c.685G>A (p.Glu229Lys)

Genes: POLR2F (RNA polymerase II, I and III subunit F; plus strand), SOX10 (SRY-box transcription factor 10; minus strand). Cytogenetic location: 22q13.1.
Variant type: single nucleotide variant.
Coding change: c.685G>A on transcript NM_006941.4 (MANE Select); coding-DNA position 685, G replaced by A.
Protein change: p.Glu229Lys; replaces glutamic acid 229 with lysine.
Molecular consequence: missense variant. On other transcripts: intron variant (3).
Genome position (GRCh38, 1-based): chr22:37,977,879, C>T on the plus strand (G>A on the coding strand, the complement: SOX10 is on the minus strand). VCF-style: chr22-37977879-C-T. GRCh37 (hg19) VCF-style: chr22-38373886-C-T.
Other names: c.*38+5569C>T (NM_001363825.1); c.294-8275C>T (NM_001301130.2); c.293+10709C>T (NM_001301131.2); short protein forms E229K.
Identifiers: ClinVar variation 3717129 (VCV003717129.2).